The following is an entry in ClinVar:

ClinVar aggregate classification (germline): Uncertain significance (1 of 4 stars; one submission).

Conditions:
Combined immunodeficiency due to DOCK8 deficiency (HIES2). Also called: Hyper-IgE recurrent infection syndrome, autosomal recessive; HYPER-IgE RECURRENT INFECTION SYNDROME 2, AUTOSOMAL RECESSIVE; HIES autosomal recessive; HYPER-IgE SYNDROME 2, AUTOSOMAL RECESSIVE, WITH RECURRENT INFECTIONS; DOCK8 Deficiency. Identifiers: Orphanet 217390, MedGen C4722305, MONDO:0009478, OMIM 243700.

Allele frequency attached by ClinVar (database versions not stated): gnomAD 0.00001; TOPMed 0.00002.
gnomAD v4.1: 2 of 1,614,144 alleles (0.00012%); highest among the groups gnomAD compares: African/African-American, 0.0013%; no homozygotes.

Submission:

Labcorp Genetics (formerly Invitae), Labcorp
Classification: Uncertain significance for Combined immunodeficiency due to DOCK8 deficiency. Last evaluated: 2022-08-16. Review status: criteria provided, single submitter. Criteria: Invitae Variant Classification Sherloc (09022015). Collection method: clinical testing. Allele origin: germline.
Comment: This sequence change replaces asparagine, which is neutral and polar, with serine, which is neutral and polar, at codon 1266 of the DOCK8 protein (p.Asn1266Ser). This variant is present in population databases (no rsID available, gnomAD 0.007%). This variant has not been reported in the literature in individuals affected with DOCK8-related conditions. ClinVar contains an entry for this variant (Variation ID: 1476783). Algorithms developed to predict the effect of missense changes on protein structure and function output the following: SIFT: "Tolerated"; PolyPhen-2: "Benign"; Align-GVGD: "Class C0". The serine amino acid residue is found in multiple mammalian species, which suggests that this missense change does not adversely affect protein function. Algorithms developed to predict the effect of sequence changes on RNA splicing suggest that this variant may create or strengthen a splice site. In summary, the available evidence is currently insufficient to determine the role of this variant in disease. Therefore, it has been classified as a Variant of Uncertain Significance.

NM_203447.4(DOCK8):c.3797A>G (p.Asn1266Ser)

Gene: DOCK8 (dedicator of cytokinesis 8; plus strand). Cytogenetic location: 9p24.3.
Variant type: single nucleotide variant.
Coding change: c.3797A>G on transcript NM_203447.4 (MANE Select); coding-DNA position 3797, A replaced by G.
Protein change: p.Asn1266Ser; replaces asparagine 1266 with serine.
Molecular consequence: missense variant.
Genome position (GRCh38, 1-based): chr9:418,164, A>G. VCF-style: chr9-418164-A-G. GRCh37 (hg19) VCF-style: chr9-418164-A-G.
Other names: c.3497A>G, p.Asn1166Ser (NM_001190458.2); c.3593A>G, p.Asn1198Ser (NM_001193536.2); short protein forms N1198S, N1266S, N1166S.
Identifiers: ClinVar variation 1476783 (VCV001476783.5), dbSNP rs1266083328, ClinGen allele CA372762344.